The following is an entry in ClinVar:

ClinVar aggregate classification (germline): Uncertain significance. Review status: criteria provided, multiple submitters, no conflicts (2 of 4 stars). 2 submissions from 2 submitters: Uncertain significance (2). Last evaluated 2026-03-25.

Conditions:
POLD1-related polyposis and colorectal cancer syndrome (CRCS10). Also called: COLORECTAL CANCER, SUSCEPTIBILITY TO, ON CHROMOSOME 19q; Colorectal cancer 10; Colorectal cancer, susceptibility to, 10. Identifiers: Orphanet 220460, MedGen C2675481, MONDO:0012953, OMIM 612591.
Hereditary cancer-predisposing syndrome. Also called: Neoplastic Syndromes, Hereditary; Tumor predisposition; Hereditary neoplastic syndrome; Hereditary Cancer Syndrome. Identifiers: Orphanet 140162, MedGen C0027672, MeSH D009386, MONDO:0015356.

Submissions (2):

Ambry Genetics
Classification: Uncertain significance for Hereditary cancer-predisposing syndrome. Last evaluated: 2026-03-25. Review status: criteria provided, single submitter. Criteria: Ambry Variant Classification Scheme 2023. Collection method: clinical testing. Allele origin: germline.
Comment: The c.759-3C>T intronic variant results from a C to T substitution 3 nucleotides upstream from coding exon 6 in the POLD1 gene. This nucleotide position is well conserved in available vertebrate species. In silico splice site analysis predicts that this alteration will not have any significant effect on splicing. Based on the available evidence, the clinical significance of this variant remains unclear.

Labcorp Genetics (formerly Invitae), Labcorp
Classification: Uncertain significance for POLD1-related polyposis and colorectal cancer syndrome. Last evaluated: 2025-04-11. Review status: criteria provided, single submitter. Criteria: Invitae Variant Classification Sherloc (09022015). Collection method: clinical testing. Allele origin: germline.
Comment: This sequence change falls in intron 6 of the POLD1 gene. It does not directly change the encoded amino acid sequence of the POLD1 protein. It affects a nucleotide within the consensus splice site. This variant is not present in population databases (gnomAD no frequency). This variant has not been reported in the literature in individuals affected with POLD1-related conditions. Variants that disrupt the consensus splice site are a relatively common cause of aberrant splicing (PMID: 17576681, 9536098). Algorithms developed to predict the effect of sequence changes on RNA splicing suggest that this variant is not likely to affect RNA splicing. In summary, the available evidence is currently insufficient to determine the role of this variant in disease. Therefore, it has been classified as a Variant of Uncertain Significance.

Literature cited by the submitters: PubMed 17576681 (cited by Labcorp Genetics (formerly Invitae), Labcorp); PubMed 9536098 (cited by Labcorp Genetics (formerly Invitae), Labcorp).

NM_002691.4(POLD1):c.759-3C>T

Gene: POLD1 (DNA polymerase delta 1, catalytic subunit; plus strand). Cytogenetic location: 19q13.33.
Variant type: single nucleotide variant.
Coding change: c.759-3C>T on transcript NM_002691.4 (MANE Select); 3 bases into the intron before coding-DNA position 759, C replaced by T.
Molecular consequence: intron variant.
Genome position (GRCh38, 1-based): chr19:50,402,451, C>T. VCF-style: chr19-50402451-C-T. GRCh37 (hg19) VCF-style: chr19-50905708-C-T.
Other names: c.759-3C>T (NM_002691.2, NM_001256849.1, NM_001438212.1 and 4 more transcripts).
Identifiers: ClinVar variation 4779764 (VCV004779764.2).